The following is an entry in ClinVar:

ClinVar aggregate classification (germline): Conflicting classifications of pathogenicity. Review status: criteria provided, conflicting classifications (1 of 4 stars). 4 submissions from 4 submitters: Uncertain significance (3); Likely benign (1). Last evaluated 2025-11-19.

Conditions:
Hereditary cancer-predisposing syndrome. Also called: Neoplastic Syndromes, Hereditary; Tumor predisposition; Hereditary neoplastic syndrome; Hereditary Cancer Syndrome. Identifiers: Orphanet 140162, MedGen C0027672, MeSH D009386, MONDO:0015356.
ALK-related disorder. Also called: ALK-related condition.
Neuroblastoma, susceptibility to, 3. Also called: ALK-Related Neuroblastic Tumor Susceptibility. Identifiers: Orphanet 635, MedGen C2751681, MONDO:0013083, OMIM 613014.

Allele frequency attached by ClinVar (database versions not stated): gnomAD 0.00002; TOPMed 0.00002; gnomAD exomes 0.00003 and 0.00005; ExAC 0.00004.
gnomAD v4.1: 78 of 1,614,074 alleles (0.0048%); highest among the groups gnomAD compares: Non-Finnish European, 0.0064%; no homozygotes.

Submissions (4):

Labcorp Genetics (formerly Invitae), Labcorp
Classification: Uncertain significance for Neuroblastoma, susceptibility to, 3. Last evaluated: 2025-11-19. Review status: criteria provided, single submitter. Criteria: Invitae Variant Classification Sherloc (09022015). Collection method: clinical testing. Allele origin: germline.
Comment: This sequence change replaces glutamine, which is neutral and polar, with arginine, which is basic and polar, at codon 459 of the ALK protein (p.Gln459Arg). This variant is present in population databases (rs773380015, gnomAD 0.007%). This variant has not been reported in the literature in individuals affected with ALK-related conditions. ClinVar contains an entry for this variant (Variation ID: 239795). An algorithm developed to predict the effect of missense changes on protein structure and function outputs the following: PolyPhen-2: "Benign". The arginine amino acid residue is found in multiple mammalian species, which suggests that this missense change does not adversely affect protein function. In summary, the available evidence is currently insufficient to determine the role of this variant in disease. Therefore, it has been classified as a Variant of Uncertain Significance.

GeneDx
Classification: Uncertain significance. Last evaluated: 2023-09-05. Review status: criteria provided, single submitter. Criteria: GeneDx Variant Classification Process June 2021. Collection method: clinical testing. Allele origin: germline. Affected: yes.
Comment: In silico analysis supports that this missense variant does not alter protein structure/function; Has not been previously published as pathogenic or benign to our knowledge

PreventionGenetics, part of Exact Sciences
Classification: Uncertain significance for ALK-related condition. Last evaluated: 2023-06-02. Review status: criteria provided, single submitter. Criteria: ACMG Guidelines, 2015. Collection method: clinical testing. Allele origin: germline.
Comment: The ALK c.1376A>G variant is predicted to result in the amino acid substitution p.Gln459Arg. To our knowledge, this variant has not been reported in the literature. This variant is reported in 0.0071% of alleles in individuals of European (Non-Finnish) descent in gnomAD and interpreted as uncertain in ClinVar. At this time, the clinical significance of this variant is uncertain due to the absence of conclusive functional and genetic evidence.

Ambry Genetics
Classification: Likely benign for Hereditary cancer-predisposing syndrome. Last evaluated: 2022-04-19. Review status: criteria provided, single submitter. Criteria: Ambry Variant Classification Scheme 2023. Collection method: clinical testing. Allele origin: germline.

NM_004304.5(ALK):c.1376A>G (p.Gln459Arg)

Gene: ALK (ALK receptor tyrosine kinase; minus strand). Cytogenetic location: 2p23.2.
Variant type: single nucleotide variant.
Coding change: c.1376A>G on transcript NM_004304.5 (MANE Select); coding-DNA position 1376, A replaced by G.
Protein change: p.Gln459Arg; replaces glutamine 459 with arginine.
Molecular consequence: missense variant.
Genome position (GRCh38, 1-based): chr2:29,328,388, T>C on the plus strand (A>G on the coding strand, the complement: ALK is on the minus strand). VCF-style: chr2-29328388-T-C. GRCh37 (hg19) VCF-style: chr2-29551254-T-C.
Other names: short protein forms Q459R.
Identifiers: ClinVar variation 239795 (VCV000239795.13), dbSNP rs773380015, ClinGen allele CA1594674.
Genomic context (GRCh38, chr2:29,328,388, plus strand): 5'-TGGGGCAGCCCCATCTACTCACGGCACATCTGGCTCTCATCTTCTCCCTGGGCACAGTCC[T>C]GGTGGAAGTCACAGGCCTGCCCAAGCTGGAGGACTGTCCCATTCCAACAAGTGAAGGAGC-3'
Protein context (NP_004295.2, residues 449-469): LQLGQACDFH[Gln459Arg]DCAQGEDESQ